The following is an entry in ClinVar:

NM_006031.6(PCNT):c.7482C>T (p.Ile2494=)

Gene: PCNT (pericentrin; plus strand). Cytogenetic location: 21q22.3.
Variant type: single nucleotide variant.
Coding change: c.7482C>T on transcript NM_006031.6 (MANE Select); coding-DNA position 7482, C replaced by T.
Protein change: p.Ile2494=; no amino-acid change (isoleucine 2494 retained).
Molecular consequence: synonymous variant.
Genome position (GRCh38, 1-based): chr21:46,427,783, C>T. VCF-style: chr21-46427783-C-T. GRCh37 (hg19) VCF-style: chr21-47847697-C-T.
Other names: c.7482C>T (NM_006031.5); c.7128C>T, p.Ile2376= (NM_001315529.2).
Identifiers: ClinVar variation 1976311 (VCV001976311.6), dbSNP rs761313913, ClinGen allele CA512742595.
Genomic context (GRCh38, chr21:46,427,783, plus strand): 5'-CCGACTCAGTGGCTCAGATCTGGGGGGTCACAGCTCCCTGCTCGAAAGGCTGGAGAAGAT[C>T]ATCCGTGAGCAGGTGAGTGTCAGCTCTGCCACCAGGCCTCAGTTTGCCCCAGGGGTCCAG-3'
Protein context (NP_006022.3, residues 2484-2504): HSSLLERLEK[Ile2494=]IREQGDLQEK

ClinVar aggregate classification (germline): Likely benign. Review status: criteria provided, multiple submitters, no conflicts (2 of 4 stars). 2 submissions from 2 submitters: Likely benign (2). Last evaluated 2026-05-26.

Conditions:
PCNT-related disorder. Also called: PCNT-related condition.

Submissions (2):

PreventionGenetics, part of Exact Sciences
Classification: Likely benign for PCNT-related condition. Last evaluated: 2026-05-26. Review status: criteria provided, single submitter. Criteria: ACMG Guidelines, 2015. Collection method: clinical testing. Allele origin: germline.
Comment: This variant is classified as likely benign based on ACMG/AMP sequence variant interpretation guidelines (Richards et al. 2015 PMID: 25741868, with internal and published modifications).

Labcorp Genetics (formerly Invitae), Labcorp
Classification: Likely benign. Last evaluated: 2024-10-21. Review status: criteria provided, single submitter. Criteria: Invitae Variant Classification Sherloc (09022015). Collection method: clinical testing. Allele origin: germline.